The following is an entry in ClinVar:

ClinVar aggregate classification (germline): Conflicting classifications of pathogenicity. Review status: criteria provided, conflicting classifications (1 of 4 stars). 5 submissions from 5 submitters: Uncertain significance (1); Benign (2). 2 of the submissions do not count toward it. Last evaluated 2022-01-04.

Conditions:
alpha Thalassemia. Also called: Alpha thalassemia spectrum. Identifiers: Orphanet 846, MedGen C0002312, MONDO:0011399, OMIM 604131.

Submissions (5):

Women's Health and Genetics/Laboratory Corporation of America, LabCorp
Classification: Benign. Last evaluated: 2022-01-04. Review status: criteria provided, single submitter. Criteria: LabCorp Variant Classification Summary - May 2015. Collection method: clinical testing. Allele origin: germline.
Comment: Variant summary: HBA2 c.301-24delinsCTCGGCCC is located at a position not widely known to affect splicing. 4/4 computational tools predict no significant impact on normal splicing. However, these predictions have yet to be confirmed by functional studies. The variant allele was not found in the gnomAD database, however two smaller insertion variants, described as 16-223445-C-CCCT and 16-223447-G-GGCCC are reported, which together (i.e.in cis) would result in an equivalent change to our variant of interest, and in all individuals with read data available these variants were reported in cis. This composite variant is found at a frequency of 1.8e-05 in 277312 control chromosomes in the gnomAD database, including 2 homozygotes (exclusively reported in the African subpopulation). The available data on variant occurrences in the general population are insufficient to allow any conclusion about variant significance. The variant, c.301-24delinsCTCGGCCC, has been reported in the literature in individuals affected with (suspected) Alpha Thalassemia or other hematological phenotypes (e.g. Phylipsen_2010, Origa_2014, Pedroso_2017), however in at least one of these cases a co-occurring potentially pathogenic variant was also reported, which could explain the phenotype (Pedroso_2017). In addition, one study showed no significant difference in hematological parameters between newborns positive or negative for the presence of this variant, confirming that it has no a-thalassemia effect (Segbena_1998). In this study the variant was also described to be found in cis with the polymorphism c.300+55T>G (aka. c.301-88T>G), and authors referred to the complex as the known "African alpha2 polymorphism marker". Another study also reported these variants in cis, and referred to the complex as the "alpha212 patchwork allele" due to its alternating alpha2, alpha1, and alpha2 sequences, since two sites within the intron 2 of the HBA2 gene have been replaced by HBA1-specific sequences; and found it in individuals of different ethnicity, geographical origin, and haplotype backgrounds, thus suggesting that this alpha-globin patchwork allele has arisen independently on several occasion (Law_2006). To our knowledge, no experimental evidence demonstrating an impact on protein function has been reported. Three clinical diagnostic laboratories have submitted clinical-significance assessments for this variant to ClinVar after 2014 without evidence for independent evaluation, and classified the variant as VUS (n=1), or benign (n=2). Based on the evidence outlined above, the variant was classified as benign.

ARUP Laboratories, Molecular Genetics and Genomics, ARUP Laboratories
Classification: Benign. Last evaluated: 2021-04-28. Review status: criteria provided, single submitter. Criteria: ARUP Molecular Germline Variant Investigation Process 2021. Collection method: clinical testing. Allele origin: germline.

Quest Diagnostics Nichols Institute San Juan Capistrano
Classification: Uncertain significance. Last evaluated: 2020-01-30. Review status: criteria provided, single submitter. Criteria: Quest Diagnostics criteria. Collection method: clinical testing. Allele origin: unknown.

MOLECULAR BIOLOGY AND HUMAN GENETICS DIVISION, THE UNIVERSITY OF BURDWAN
Classification: Benign for alpha Thalassemia. Last evaluated: 2025-04-21. Review status: no assertion criteria provided. Collection method: research. Allele origin: germline. Observed: 1 variant allele. Not counted in ClinVar's aggregate classification.
Comment: No phenotypic effect was identified in heterozygous condition

An intronic variant of the HBA2 gene, found in a Bengali Thalassemia (Beta) pateint during alpha-globin gene mutation screening.

The ITHANET community portal, The Cyprus Institute of Neurology and Genetics
Classification: Benign for alpha Thalassemia. Last evaluated: 2019-11-25. Review status: no assertion criteria provided. Collection method: curation. Allele origin: germline. Not counted in ClinVar's aggregate classification.

Literature cited by the submitters: PubMed 16503550 (cited by Women's Health and Genetics/Laboratory Corporation of America, LabCorp); PubMed 23896219 (cited by Women's Health and Genetics/Laboratory Corporation of America, LabCorp); PubMed 26930363 (cited by 3 submitters); PubMed 28670945 (cited by Women's Health and Genetics/Laboratory Corporation of America, LabCorp and MOLECULAR BIOLOGY AND HUMAN GENETICS DIVISION, THE UNIVERSITY OF BURDWAN); PubMed 20110179 (cited by Women's Health and Genetics/Laboratory Corporation of America, LabCorp); PubMed 9798658 (cited by Women's Health and Genetics/Laboratory Corporation of America, LabCorp); PubMed 12484630 (cited by Women's Health and Genetics/Laboratory Corporation of America, LabCorp).

NM_000517.6(HBA2):c.301-24delinsCTCGGCCC

Genes: HBA2 (hemoglobin subunit alpha 2; plus strand), LOC106804612 (hemoglobin subunit alpha 2 recombination region; plus strand). Cytogenetic location: 16p13.3.
Variant type: Indel.
Coding change: c.301-24delinsCTCGGCCC on transcript NM_000517.6 (MANE Select); 24 bases into the intron before coding-DNA position 301, G replaced by CTCGGCCC.
Molecular consequence: intron variant.
Genome position (GRCh38, 1-based): chr16:173,448, G replaced by CTCGGCCC. VCF-style: chr16-173448-G-CTCGGCCC. GRCh37 (hg19) VCF-style: chr16-223447-G-CTCGGCCC.
Other names: IVS II-119 (-G) (+CTCGGCCC).
Identifiers: ClinVar variation 811183 (VCV000811183.14), dbSNP rs1596570272, ClinGen allele CA915946211.